The following is an entry in ClinVar:

NM_173651.4(FSIP2):c.20189C>T (p.Thr6730Ile)

Gene: FSIP2 (fibrous sheath interacting protein 2; plus strand). Cytogenetic location: 2q32.1.
Variant type: single nucleotide variant.
Coding change: c.20189C>T on transcript NM_173651.4 (MANE Select); coding-DNA position 20189, C replaced by T.
Protein change: p.Thr6730Ile; replaces threonine 6730 with isoleucine.
Molecular consequence: missense variant.
Genome position (GRCh38, 1-based): chr2:185,813,906, C>T. VCF-style: chr2-185813906-C-T. GRCh37 (hg19) VCF-style: chr2-186678633-C-T.
Other names: short protein forms T6730I.
Identifiers: ClinVar variation 3037183 (VCV003037183.2), dbSNP rs17826666, ClinGen allele CA2017839.

ClinVar aggregate classification (germline): Benign (0 of 4 stars; one submission).

Conditions:
FSIP2-related disorder. Also called: FSIP2-related condition.

Allele frequency attached by ClinVar (database versions not stated): 1000 Genomes Project 30x 0.05278; 1000 Genomes Project 0.05292; TOPMed 0.06456; ESP Exome Variant Server 0.07021; ExAC 0.07536.
gnomAD v4.1: 134,701 of 1,613,420 alleles (8.3%); highest among the groups gnomAD compares: Non-Finnish European, 9.3%; 6,197 homozygotes.

Submission:

PreventionGenetics, part of Exact Sciences
Classification: Benign for FSIP2-related condition. Last evaluated: 2019-11-04. Review status: no assertion criteria provided. Collection method: clinical testing. Allele origin: germline.
Comment: This variant is classified as benign based on ACMG/AMP sequence variant interpretation guidelines (Richards et al. 2015 PMID: 25741868, with internal and published modifications).